The following is an entry in ClinVar:

ClinVar aggregate classification (germline): Uncertain significance (1 of 4 stars; one submission).

Conditions:
Inborn genetic diseases. Identifiers: MedGen C0950123, MeSH D030342.

Submission:

Ambry Genetics
Classification: Uncertain significance for Inborn genetic diseases. Last evaluated: 2024-12-01. Review status: criteria provided, single submitter. Criteria: Ambry Variant Classification Scheme 2023. Collection method: clinical testing. Allele origin: germline.
Comment: The p.P409S variant (also known as c.1225C>T), located in coding exon 14 of the RTEL1 gene, results from a C to T substitution at nucleotide position 1225. The proline at codon 409 is replaced by serine, an amino acid with similar properties. This amino acid position is conserved. In addition, this alteration is predicted to be tolerated by in silico analysis. Based on the available evidence, the clinical significance of this variant remains unclear.

NM_001283009.2(RTEL1):c.1225C>T (p.Pro409Ser)

Genes: RTEL1 (regulator of telomere elongation helicase 1; plus strand), RTEL1-TNFRSF6B (RTEL1-TNFRSF6B readthrough (NMD candidate); plus strand). Cytogenetic location: 20q13.33.
Variant type: single nucleotide variant.
Coding change: c.1225C>T on transcript NM_001283009.2 (MANE Select); coding-DNA position 1225, C replaced by T.
Protein change: p.Pro409Ser; replaces proline 409 with serine.
Molecular consequence: missense variant. On other transcripts: non-coding transcript variant (1).
Genome position (GRCh38, 1-based): chr20:63,685,556, C>T. VCF-style: chr20-63685556-C-T. GRCh37 (hg19) VCF-style: chr20-62316909-C-T.
Other names: c.556C>T, p.Pro186Ser (NM_001283010.1); c.1225C>T, p.Pro409Ser (NM_016434.4); c.1297C>T, p.Pro433Ser (NM_032957.5); short protein forms P186S, P433S, P409S.
Identifiers: ClinVar variation 3436012 (VCV003436012.1).
Genomic context (GRCh38, chr20:63,685,556, plus strand): 5'-CGGGGCTGCACTTCCTCTGCCTTTCAGATTGTGTTCAGTGTGGACCCCTCCGAGGGCAGC[C>T]CTGGTTCCCCAGCAGGGCTGGGGGCCTTACAGTCCTATAAGGTAGGGGCCACCTCCAGGA-3'
Protein context (NP_001269938.1, residues 399-419): VFSVDPSEGS[Pro409Ser]GSPAGLGALQ